The following is an entry in ClinVar:

NM_007294.4(BRCA1):c.1364A>G (p.Asn455Ser)

Gene: BRCA1 (BRCA1 DNA repair associated; minus strand). Cytogenetic location: 17q21.31.
Variant type: single nucleotide variant.
Coding change: c.1364A>G on transcript NM_007294.4 (MANE Select); coding-DNA position 1364, A replaced by G.
Protein change: p.Asn455Ser; replaces asparagine 455 with serine.
Molecular consequence: missense variant. On other transcripts: intron variant (137).
Genome position (GRCh38, 1-based): chr17:43,094,167, T>C on the plus strand (A>G on the coding strand, the complement: BRCA1 is on the minus strand). VCF-style: chr17-43094167-T-C. GRCh37 (hg19) VCF-style: chr17-41246184-T-C.
Other names: c.1241A>G, p.Asn414Ser (NM_001407665.1, NM_001407666.1, NM_001407667.1 and 19 more transcripts); c.1223A>G, p.Asn408Ser (NM_001407734.1, NM_001407735.1, NM_001407736.1 and 29 more transcripts); c.1238A>G, p.Asn413Ser (NM_001407670.1, NM_001407673.1, NM_001407671.1 and 11 more transcripts); c.1220A>G, p.Asn407Ser (NM_001407740.1, NM_001407742.1, NM_001407741.1 and 20 more transcripts); c.1151A>G, p.Asn384Ser (NM_001407853.1, NM_001407894.1, NM_001407895.1 and 9 more transcripts); c.1364A>G, p.Asn455Ser (NM_001407854.1, NM_001407858.1, NM_001407859.1 and 30 more transcripts); c.1361A>G, p.Asn454Ser (NM_001407860.1, NM_001407861.1, NM_001407587.1 and 22 more transcripts); c.1163A>G, p.Asn388Ser (NM_001407862.1); and 40 more; short protein forms N327S, N343S, N407S, N408S, N413S, N414S, N367S, N385S.
Identifiers: ClinVar variation 2774860 (VCV002774860.2), dbSNP rs2154451867, ClinGen allele CA10599320.

ClinVar aggregate classification (germline): Uncertain significance (1 of 4 stars; one submission).

Conditions:
Hereditary cancer-predisposing syndrome. Also called: Neoplastic Syndromes, Hereditary; Tumor predisposition; Hereditary Cancer Syndrome; Hereditary neoplastic syndrome. Identifiers: Orphanet 140162, MedGen C0027672, MeSH D009386, MONDO:0015356.

Submission:

Color Diagnostics, LLC DBA Color Health
Classification: Uncertain significance for Hereditary cancer-predisposing syndrome. Last evaluated: 2022-12-05. Review status: criteria provided, single submitter. Criteria: ACMG Guidelines, 2015. Collection method: clinical testing. Allele origin: germline.
Comment: This missense variant replaces asparagine with serine at codon 455 of the BRCA1 protein. Computational prediction suggests that this variant may not impact protein structure and function (internally defined REVEL score threshold <= 0.5, PMID: 27666373). To our knowledge, functional studies have not been reported for this variant. This variant has not been reported in individuals affected with BRCA1-related disorders in the literature. This variant has not been identified in the general population by the Genome Aggregation Database (gnomAD). The available evidence is insufficient to determine the role of this variant in disease conclusively. Therefore, this variant is classified as a Variant of Uncertain Significance.